The following is an entry in ClinVar:

NM_001005373.4(LRSAM1):c.2129G>A (p.Arg710His)

Gene: LRSAM1 (leucine rich repeat and sterile alpha motif containing 1; plus strand). Cytogenetic location: 9q34.11.
Variant type: single nucleotide variant.
Coding change: c.2129G>A on transcript NM_001005373.4 (MANE Select); coding-DNA position 2129, G replaced by A.
Protein change: p.Arg710His; replaces arginine 710 with histidine.
Molecular consequence: missense variant. On other transcripts: non-coding transcript variant (2).
Genome position (GRCh38, 1-based): chr9:127,502,856, G>A. VCF-style: chr9-127502856-G-A. GRCh37 (hg19) VCF-style: chr9-130265135-G-A.
Other names: c.2129G>A, p.Arg710His (NM_001005374.4, NM_001384142.1, NM_138361.5); c.2048G>A, p.Arg683His (NM_001190723.3); c.2030G>A, p.Arg677His (NM_001384143.1); c.1340G>A, p.Arg447His (NM_001384144.1); short protein forms R447H, R677H, R683H, R710H.
Identifiers: ClinVar variation 1063303 (VCV001063303.10), dbSNP rs770106776, ClinGen allele CA5247268.

ClinVar aggregate classification (germline): Uncertain significance. Review status: criteria provided, multiple submitters, no conflicts (2 of 4 stars). 2 submissions from 2 submitters: Uncertain significance (2). Last evaluated 2026-05-14.

Conditions:
LRSAM1-related disorder. Also called: LRSAM1-related condition.
Charcot-Marie-Tooth disease axonal type 2P. Also called: CHARCOT-MARIE-TOOTH NEUROPATHY, TYPE 2P; CHARCOT-MARIE-TOOTH DISEASE, AXONAL, TYPE 2G; CMT 2G; Charcot-Marie-Tooth Neuropathy Type 2G. Identifiers: Orphanet 300319, Orphanet 99941, MedGen C3280797, MONDO:0013753, OMIM 614436.

Allele frequency attached by ClinVar (database versions not stated): gnomAD 0.00001; gnomAD exomes 0.00001 and 0.00002; ExAC 0.00003.
gnomAD v4.1: 16 of 1,610,802 alleles (0.00099%); highest among the groups gnomAD compares: Middle Eastern, 0.017%; no homozygotes.

Submissions (2):

PreventionGenetics, part of Exact Sciences
Classification: Uncertain significance for LRSAM1-related condition. Last evaluated: 2026-05-14. Review status: criteria provided, single submitter. Criteria: ACMG Guidelines, 2015. Collection method: clinical testing. Allele origin: germline.
Comment: The LRSAM1 c.2129G>A variant is predicted to result in the amino acid substitution p.Arg710His. To our knowledge, this variant has not been reported in the literature. This variant is reported in 0.017% of alleles in individuals of East Asian descent in gnomAD. At this time, the clinical significance of this variant is uncertain due to the absence of conclusive functional and genetic evidence.

Labcorp Genetics (formerly Invitae), Labcorp
Classification: Uncertain significance for Charcot-Marie-Tooth disease axonal type 2P. Last evaluated: 2024-06-30. Review status: criteria provided, single submitter. Criteria: Invitae Variant Classification Sherloc (09022015). Collection method: clinical testing. Allele origin: germline.
Comment: This sequence change replaces arginine, which is basic and polar, with histidine, which is basic and polar, at codon 710 of the LRSAM1 protein (p.Arg710His). This variant is present in population databases (rs770106776, gnomAD 0.01%). This variant has not been reported in the literature in individuals affected with LRSAM1-related conditions. ClinVar contains an entry for this variant (Variation ID: 1063303). Advanced modeling of protein sequence and biophysical properties (such as structural, functional, and spatial information, amino acid conservation, physicochemical variation, residue mobility, and thermodynamic stability) performed at Invitae indicates that this missense variant is expected to disrupt LRSAM1 protein function with a positive predictive value of 80%. In summary, the available evidence is currently insufficient to determine the role of this variant in disease. Therefore, it has been classified as a Variant of Uncertain Significance.